The following is an entry in ClinVar:

ClinVar aggregate classification (germline): Likely pathogenic. Review status: criteria provided, multiple submitters, no conflicts (2 of 4 stars). 2 submissions from 2 submitters: Likely pathogenic (2). Last evaluated 2025-05-06.

Conditions:
Tumor predisposition syndrome 3 (TPDS3). Also called: Glioma susceptibility 9; LONG TELOMERE SYNDROME, POT1-RELATED; POT1 Tumor Predisposition; Melanoma, cutaneous malignant, susceptibility to, 10. Identifiers: Orphanet 618, MedGen C4014476, MONDO:0014368, OMIM 615848.

Submissions (2):

Department of Clinical Genetics, Copenhagen University Hospital, Rigshospitalet
Classification: Likely pathogenic for Tumor predisposition syndrome 3. Last evaluated: 2025-05-06. Review status: criteria provided, single submitter. Criteria: ACMG Guidelines, 2015. Collection method: clinical testing. Allele origin: germline. Affected: yes.
Comment: The following ACMG criteria has been used: PM2_SUP; PVS1_(RNA); PS3 (long telomers)

Center for Genomic Medicine, Rigshospitalet, Copenhagen University Hospital
Classification: Likely pathogenic. Last evaluated: 2025-03-04. Review status: criteria provided, single submitter. Criteria: ACMG Guidelines, 2015. Collection method: clinical testing. Allele origin: germline.

Literature cited by the submitters: PubMed 40015989 (cited by Department of Clinical Genetics, Copenhagen University Hospital, Rigshospitalet).

NM_015450.3(POT1):c.255G>C (p.Lys85Asn)

Gene: POT1 (protection of telomeres 1; minus strand). Cytogenetic location: 7q31.33.
Variant type: single nucleotide variant.
Coding change: c.255G>C on transcript NM_015450.3 (MANE Select); coding-DNA position 255, G replaced by C.
Protein change: p.Lys85Asn; replaces lysine 85 with asparagine.
Molecular consequence: missense variant. On other transcripts: non-coding transcript variant (3), intron variant (1).
Genome position (GRCh38, 1-based): chr7:124,870,911, C>G on the plus strand (G>C on the coding strand, the complement: POT1 is on the minus strand). VCF-style: chr7-124870911-C-G. GRCh37 (hg19) VCF-style: chr7-124510965-C-G.
Other names: c.-138-7271G>C (NM_001042594.2); short protein forms K85N.
Identifiers: ClinVar variation 1697437 (VCV001697437.8), dbSNP rs747851551, ClinGen allele CA369061246.